The following is an entry in ClinVar:

ClinVar aggregate classification (germline): Uncertain significance (1 of 4 stars; one submission).

Conditions:
Hereditary cancer-predisposing syndrome. Also called: Neoplastic Syndromes, Hereditary; Tumor predisposition; Hereditary neoplastic syndrome; Hereditary Cancer Syndrome. Identifiers: Orphanet 140162, MedGen C0027672, MeSH D009386, MONDO:0015356.

Submission:

Ambry Genetics
Classification: Uncertain significance for Hereditary cancer-predisposing syndrome. Last evaluated: 2026-07-06. Review status: criteria provided, single submitter. Criteria: Ambry Variant Classification Scheme 2023. Collection method: clinical testing. Allele origin: germline.
Comment: The p.T457A variant (also known as c.1369A>G), located in coding exon 10 of the CDH1 gene, results from an A to G substitution at nucleotide position 1369. The threonine at codon 457 is replaced by alanine, an amino acid with similar properties. This amino acid position is conserved. In addition, this alteration is predicted to be tolerated by in silico analysis. Based on the available evidence, the clinical significance of this variant remains unclear.

NM_004360.5(CDH1):c.1369A>G (p.Thr457Ala)

Gene: CDH1 (cadherin 1; plus strand). Cytogenetic location: 16q22.1.
Variant type: single nucleotide variant.
Coding change: c.1369A>G on transcript NM_004360.5 (MANE Select); coding-DNA position 1369, A replaced by G.
Protein change: p.Thr457Ala; replaces threonine 457 with alanine.
Molecular consequence: missense variant. On other transcripts: 5 prime UTR variant (2).
Genome position (GRCh38, 1-based): chr16:68,815,563, A>G. VCF-style: chr16-68815563-A-G. GRCh37 (hg19) VCF-style: chr16-68849466-A-G.
Other names: c.1186A>G, p.Thr396Ala (NM_001317184.2); c.-180A>G (NM_001317185.2); c.-451A>G (NM_001317186.2); short protein forms T396A, T457A.
Identifiers: ClinVar variation 5033895 (VCV005033895.1).
Genomic context (GRCh38, chr16:68,815,563, plus strand): 5'-TCTGCTCTCTAGGGCTTGGATTTTGAGGCCAAGCAGCAGTACATTCTACACGTAGCAGTG[A>G]CGAATGTGGTACCTTTTGAGGTCTCTCTCACCACCTCCACAGCCACCGTCACCGTGGATG-3'
Protein context (NP_004351.1, residues 447-467): KQQYILHVAV[Thr457Ala]NVVPFEVSLT